The following is an entry in ClinVar:

NM_005228.5(EGFR):c.158G>A (p.Arg53Lys)

Gene: EGFR (epidermal growth factor receptor; plus strand). Cytogenetic location: 7p11.2.
Variant type: single nucleotide variant.
Coding change: c.158G>A on transcript NM_005228.5 (MANE Select); coding-DNA position 158, G replaced by A.
Protein change: p.Arg53Lys; replaces arginine 53 with lysine.
Molecular consequence: missense variant. On other transcripts: 5 prime UTR variant (1), intron variant (1).
Genome position (GRCh38, 1-based): chr7:55,142,355, G>A. VCF-style: chr7-55142355-G-A. GRCh37 (hg19) VCF-style: chr7-55210048-G-A.
Other names: c.158G>A, p.Arg53Lys (NM_001346897.2, NM_001346898.2, NM_001346899.2 and 3 more transcripts); c.-2G>A (NM_001346900.2); c.89-13475G>A (NM_001346941.2); short protein forms R53K.
Identifiers: ClinVar variation 1055055 (VCV001055055.10), dbSNP rs759219499, ClinGen allele CA4265144.

ClinVar aggregate classification (germline): Uncertain significance. Review status: criteria provided, multiple submitters, no conflicts (2 of 4 stars). 2 submissions from 2 submitters: Uncertain significance (2). Last evaluated 2024-12-06.

Conditions:
EGFR-related lung cancer (EGFR). Identifiers: MedGen CN130014.
Hereditary cancer-predisposing syndrome. Also called: Hereditary Cancer Syndrome; Tumor predisposition; Hereditary neoplastic syndrome; Neoplastic Syndromes, Hereditary. Identifiers: Orphanet 140162, MedGen C0027672, MeSH D009386, MONDO:0015356.

Allele frequency attached by ClinVar (database versions not stated): gnomAD exomes below 0.00001; ExAC 0.00001; gnomAD 0.00001.
gnomAD v4.1: 9 of 1,614,080 alleles (0.00056%); highest among the groups gnomAD compares: South Asian, 0.0088%; no homozygotes.

Submissions (2):

Ambry Genetics
Classification: Uncertain significance for Hereditary cancer-predisposing syndrome. Last evaluated: 2024-12-06. Review status: criteria provided, single submitter. Criteria: Ambry Variant Classification Scheme 2023. Collection method: clinical testing. Allele origin: germline.
Comment: The p.R53K variant (also known as c.158G>A), located in coding exon 2 of the EGFR gene, results from a G to A substitution at nucleotide position 158. The arginine at codon 53 is replaced by lysine, an amino acid with highly similar properties. This amino acid position is well conserved in available vertebrate species. In addition, this alteration is predicted to be tolerated by in silico analysis. Based on the available evidence, the clinical significance of this variant remains unclear.

Labcorp Genetics (formerly Invitae), Labcorp
Classification: Uncertain significance for EGFR-related lung cancer. Last evaluated: 2023-07-17. Review status: criteria provided, single submitter. Criteria: Invitae Variant Classification Sherloc (09022015). Collection method: clinical testing. Allele origin: germline.
Comment: In summary, the available evidence is currently insufficient to determine the role of this variant in disease. Therefore, it has been classified as a Variant of Uncertain Significance. An algorithm developed to predict the effect of missense changes on protein structure and function (PolyPhen-2) suggests that this variant is likely to be tolerated. ClinVar contains an entry for this variant (Variation ID: 1055055). This variant has not been reported in the literature in individuals affected with EGFR-related conditions. This variant is present in population databases (rs759219499, gnomAD 0.003%). This sequence change replaces arginine, which is basic and polar, with lysine, which is basic and polar, at codon 53 of the EGFR protein (p.Arg53Lys).